The following is an entry in ClinVar:

ClinVar aggregate classification (germline): Uncertain significance. Review status: criteria provided, multiple submitters, no conflicts (2 of 4 stars). 2 submissions from 2 submitters: Uncertain significance (2). Last evaluated 2025-01-26.

Conditions:
Inborn genetic diseases. Identifiers: MedGen C0950123, MeSH D030342.

gnomAD v4.1: 2 of 1,613,162 alleles (0.00012%); highest among the groups gnomAD compares: Non-Finnish European, 0.00017%; no homozygotes.

Submissions (2):

Ambry Genetics
Classification: Uncertain significance for Inborn genetic diseases. Last evaluated: 2025-01-26. Review status: criteria provided, single submitter. Criteria: Ambry Variant Classification Scheme 2023. Collection method: clinical testing. Allele origin: germline.

GeneDx
Classification: Uncertain significance. Last evaluated: 2023-07-17. Review status: criteria provided, single submitter. Criteria: GeneDx Variant Classification Process June 2021. Collection method: clinical testing. Allele origin: germline. Affected: yes.
Comment: Not observed at significant frequency in large population cohorts (gnomAD); In silico analysis supports that this missense variant has a deleterious effect on protein structure/function; Has not been previously published as pathogenic or benign to our knowledge

NM_138691.3(TMC1):c.1671G>T (p.Trp557Cys)

Gene: TMC1 (transmembrane channel like 1; plus strand). Cytogenetic location: 9q21.13.
Variant type: single nucleotide variant.
Coding change: c.1671G>T on transcript NM_138691.3 (MANE Select); coding-DNA position 1671, G replaced by T.
Protein change: p.Trp557Cys; replaces tryptophan 557 with cysteine.
Molecular consequence: missense variant.
Genome position (GRCh38, 1-based): chr9:72,805,486, G>T. VCF-style: chr9-72805486-G-T. GRCh37 (hg19) VCF-style: chr9-75420402-G-T.
Other names: short protein forms W557C.
Identifiers: ClinVar variation 3361072 (VCV003361072.2).
Genomic context (GRCh38, chr9:72,805,486, plus strand): 5'-CACAATCCTCATTGGGGACTTTCTAAGGGCATGTTTTGTGAGGTTTTGCAATTATTGCTG[G>T]TGCTGGGACTTGGAGTATGGATATGTAAGTATGATGTTAATTTTGCTTTTTTTTTTTTTT-3'
Protein context (NP_619636.2, residues 547-567): ACFVRFCNYC[Trp557Cys]CWDLEYGYPS